The following is an entry in ClinVar:

ClinVar aggregate classification (germline): Pathogenic. Review status: criteria provided, multiple submitters, no conflicts (2 of 4 stars). 7 submissions from 7 submitters: Pathogenic (7). Last evaluated 2024-03-08.

Conditions:
FOXP1-related disorders.
Intellectual disability-severe speech delay-mild dysmorphism syndrome (IDDLA). Also called: Mental retardation with language impairment and autistic features; Intellectual developmental disorder with language impairment AND with or without autistic features; FOXP1 Syndrome. Identifiers: Orphanet 391372, MedGen C4013764, MONDO:0013352, OMIM 613670.

gnomAD v4.1: 1 of 1,613,956 alleles (0.000062%); highest among the groups gnomAD compares: Non-Finnish European, 0.000085%; no homozygotes.

Submissions (7):

Institute of Human Genetics, Heidelberg University
Classification: Pathogenic for Intellectual disability-severe speech delay-mild dysmorphism syndrome. Last evaluated: 2024-03-08. Review status: criteria provided, single submitter. Criteria: ACMG Guidelines, 2015. Collection method: clinical testing. Allele origin: germline. Affected: yes.

Blueprint Genetics
Classification: Pathogenic for FOXP1-related disorders. Last evaluated: 2024-02-08. Review status: criteria provided, single submitter. Criteria: ACMG Guidelines, 2015. Collection method: clinical testing. Allele origin: de novo. Affected: yes. Observed: 1 variant allele.

3billion
Classification: Pathogenic for Intellectual disability-severe speech delay-mild dysmorphism syndrome. Last evaluated: 2023-12-13. Review status: criteria provided, single submitter. Criteria: ACMG Guidelines, 2015. Collection method: clinical testing. Allele origin: germline. Affected: yes.
Comment: The variant is not observed in the gnomAD v2.1.1 dataset. Predicted Consequence/Location: Stop-gained (nonsense): predicted to result in a loss or disruption of normal protein function through nonsense-mediated decay (NMD) or protein truncation. Multiple pathogenic variants are reported downstream of the variant. The variant has been reported at least twice as pathogenic with clinical assertions and evidence for the classification (ClinVar ID: VCV000211038). Therefore, this variant is classified as Pathogenic according to the recommendation of ACMG/AMP guideline.

GeneDx
Classification: Pathogenic. Last evaluated: 2022-09-14. Review status: criteria provided, single submitter. Criteria: GeneDx Variant Classification Process June 2021. Collection method: clinical testing. Allele origin: germline. Affected: yes.
Comment: Nonsense variant predicted to result in protein truncation or nonsense mediated decay in a gene for which loss-of-function is a known mechanism of disease; Not observed in large population cohorts (gnomAD); This variant is associated with the following publications: (PMID: 28191890, 27824329, 31981491, 28714951, 34588003, 31332282, 25363768)

Labcorp Genetics (formerly Invitae), Labcorp
Classification: Pathogenic. Last evaluated: 2022-07-30. Review status: criteria provided, single submitter. Criteria: Invitae Variant Classification Sherloc (09022015). Collection method: clinical testing. Allele origin: germline.
Comment: For these reasons, this variant has been classified as Pathogenic. ClinVar contains an entry for this variant (Variation ID: 211038). This variant is also known as p.Arg505*. This premature translational stop signal has been observed in individual(s) with FOXP1-related disease (PMID: 25363768, 27824329; Invitae). In at least one individual the variant was observed to be de novo. This variant is not present in population databases (gnomAD no frequency). This sequence change creates a premature translational stop signal (p.Arg503*) in the FOXP1 gene. It is expected to result in an absent or disrupted protein product. Loss-of-function variants in FOXP1 are known to be pathogenic (PMID: 28735298).

Centre for Mendelian Genomics, University Medical Centre Ljubljana
Classification: Pathogenic for Intellectual disability-severe speech delay-mild dysmorphism syndrome. Last evaluated: 2020-02-20. Review status: criteria provided, single submitter. Criteria: ACMG Guidelines, 2015. Collection method: clinical testing. Allele origin: unknown. Affected: yes.
Comment: This variant was classified as: Pathogenic. The following ACMG criteria were applied in classifying this variant: PVS1,PS4_MOD,PM2.

Genetic Services Laboratory, University of Chicago
Classification: Pathogenic for Mental retardation with language impairment and autistic features. Last evaluated: 2014-10-14. Review status: criteria provided, single submitter. Criteria: ACMG Guidelines, 2015. Collection method: clinical testing. Allele origin: germline. Affected: yes.

Literature cited by the submitters: PubMed 25363768 (cited by Labcorp Genetics (formerly Invitae), Labcorp); PubMed 27824329 (cited by Labcorp Genetics (formerly Invitae), Labcorp); PubMed 28735298 (cited by Labcorp Genetics (formerly Invitae), Labcorp).

NM_001349338.3(FOXP1):c.1507C>T (p.Arg503Ter)

Genes: FOXP1 (forkhead box P1; minus strand), LOC126806714 (BRD4-independent group 4 enhancer GRCh37_chr3:71025197-71026396; plus strand). Cytogenetic location: 3p13.
Variant type: single nucleotide variant.
Coding change: c.1507C>T on transcript NM_001349338.3 (MANE Select); coding-DNA position 1507, C replaced by T.
Protein change: p.Arg503Ter; replaces arginine 503 with a stop codon.
Molecular consequence: nonsense. On other transcripts: non-coding transcript variant (2).
Genome position (GRCh38, 1-based): chr3:70,976,964, G>A on the plus strand (C>T on the coding strand, the complement: FOXP1 is on the minus strand). VCF-style: chr3-70976964-G-A. GRCh37 (hg19) VCF-style: chr3-71026115-G-A.
Other names: c.1504C>T, p.Arg502Ter (NM_001244808.3, NM_001349341.3); c.1507C>T, p.Arg503Ter (NM_001244810.2, NM_001244814.3, NM_001244816.2 and 2 more transcripts); c.1279C>T, p.Arg427Ter (NM_001244812.3); c.1207C>T, p.Arg403Ter (NM_001244813.3, NM_001244815.2, NM_001349342.3); c.1204C>T, p.Arg402Ter (NM_001349337.2, NM_001349343.3, NM_001349344.3 and 1 more transcripts); short protein forms R503*, R402*, R502*, R427*, R403*.
Identifiers: ClinVar variation 211038 (VCV000211038.22), dbSNP rs797045584, ClinGen allele CA319742.